The following is an entry in ClinVar:

NM_006939.4(SOS2):c.220G>A (p.Val74Ile)

Gene: SOS2 (SOS Ras/Rho guanine nucleotide exchange factor 2; minus strand). Cytogenetic location: 14q21.3.
Variant type: single nucleotide variant.
Coding change: c.220G>A on transcript NM_006939.4 (MANE Select); coding-DNA position 220, G replaced by A.
Protein change: p.Val74Ile; replaces valine 74 with isoleucine.
Molecular consequence: missense variant.
Genome position (GRCh38, 1-based): chr14:50,201,078, C>T on the plus strand (G>A on the coding strand, the complement: SOS2 is on the minus strand). VCF-style: chr14-50201078-C-T. GRCh37 (hg19) VCF-style: chr14-50667796-C-T.
Other names: short protein forms V74I.
Identifiers: ClinVar variation 836372 (VCV000836372.4), dbSNP rs1886470934, ClinGen allele CA389650417.
Genomic context (GRCh38, chr14:50,201,078, plus strand): 5'-TAGCAGATTGTGCATCAGCAATGGCCCATTTATCAATTGGGTGAGGAAAGGTCTTCTGAA[C>T]TCGCTCCTGCTCAATCACAGCAGAACCATTGTAGTATTAATAAAAGTGTTCATAAATAGG-3'
Protein context (NP_008870.2, residues 64-84): PRTVQDVEER[Val74Ile]QKTFPHPIDK

ClinVar aggregate classification (germline): Uncertain significance (1 of 4 stars; one submission).

Conditions:
Noonan syndrome 9 (NS9). Identifiers: Orphanet 648, MedGen C4225282, MONDO:0014691, OMIM 616559.

Submission:

Labcorp Genetics (formerly Invitae), Labcorp
Classification: Uncertain significance for Noonan syndrome 9. Last evaluated: 2023-01-17. Review status: criteria provided, single submitter. Criteria: Invitae Variant Classification Sherloc (09022015). Collection method: clinical testing. Allele origin: germline.
Comment: In summary, the available evidence is currently insufficient to determine the role of this variant in disease. Therefore, it has been classified as a Variant of Uncertain Significance. Advanced modeling of protein sequence and biophysical properties (such as structural, functional, and spatial information, amino acid conservation, physicochemical variation, residue mobility, and thermodynamic stability) performed at Invitae indicates that this missense variant is not expected to disrupt SOS2 protein function. ClinVar contains an entry for this variant (Variation ID: 836372). This variant has not been reported in the literature in individuals affected with SOS2-related conditions. This variant is not present in population databases (gnomAD no frequency). This sequence change replaces valine, which is neutral and non-polar, with isoleucine, which is neutral and non-polar, at codon 74 of the SOS2 protein (p.Val74Ile).